The following is an entry in ClinVar:

NM_022455.5(NSD1):c.1882G>A (p.Asp628Asn)

Gene: NSD1 (nuclear receptor binding SET domain protein 1; plus strand). Cytogenetic location: 5q35.3.
Variant type: single nucleotide variant.
Coding change: c.1882G>A on transcript NM_022455.5 (MANE Select); coding-DNA position 1882, G replaced by A.
Protein change: p.Asp628Asn; replaces aspartic acid 628 with asparagine.
Molecular consequence: missense variant.
Genome position (GRCh38, 1-based): chr5:177,210,281, G>A. VCF-style: chr5-177210281-G-A. GRCh37 (hg19) VCF-style: chr5-176637282-G-A.
Other names: c.1009G>A, p.Asp337Asn (NM_001365684.2, NM_001409306.1, NM_001409307.1 and 3 more transcripts); c.1882G>A, p.Asp628Asn (NM_001409301.1, NM_001409302.1, NM_001409303.1); c.1462G>A, p.Asp488Asn (NM_001409304.1); c.1129G>A, p.Asp377Asn (NM_001409305.1); short protein forms D628N, D359N, D377N, D488N, D337N.
Identifiers: ClinVar variation 1449518 (VCV001449518.10), dbSNP rs1763231304, ClinGen allele CA362311972.
Genomic context (GRCh38, chr5:177,210,281, plus strand): 5'-AAACCCCAACGAAGCCTGGTGTGTGGTTCAAAAGTGAAGCTCTGCTATATTGGAGCAGGT[G>A]ATGAGGAAAAGCGAAGTGATTCCATTAGTATCTGTACCACTTCTGATGATGGAAGCAGTG-3'
Protein context (NP_071900.2, residues 618-638): KVKLCYIGAG[Asp628Asn]EEKRSDSISI

ClinVar aggregate classification (germline): Uncertain significance. Review status: criteria provided, multiple submitters, no conflicts (2 of 4 stars). 3 submissions from 3 submitters: Uncertain significance (3). Last evaluated 2025-07-27.

Conditions:
Sotos syndrome (SOTOS). Also called: SOTOS SYNDROME 1; CEREBRAL GIGANTISM; Sotos' syndrome; CHROMOSOME 5q35 DELETION SYNDROME; Distinctive facial appearance, overgrowth in childhood, and learning disabilities or delayed development. Identifiers: Orphanet 821, MedGen C0175695, MONDO:0019349, OMIM 117550.

Allele frequency attached by ClinVar (database versions not stated): gnomAD exomes below 0.00001; TOPMed below 0.00001; gnomAD 0.00001.
gnomAD v4.1: 4 of 1,609,500 alleles (0.00025%); highest among the groups gnomAD compares: Non-Finnish European, 0.00034%; no homozygotes.

Submissions (3):

Labcorp Genetics (formerly Invitae), Labcorp
Classification: Uncertain significance. Last evaluated: 2025-07-27. Review status: criteria provided, single submitter. Criteria: Invitae Variant Classification Sherloc (09022015). Collection method: clinical testing. Allele origin: germline.
Comment: This sequence change replaces aspartic acid, which is acidic and polar, with asparagine, which is neutral and polar, at codon 628 of the NSD1 protein (p.Asp628Asn). This variant is not present in population databases (gnomAD no frequency). This variant has not been reported in the literature in individuals affected with NSD1-related conditions. ClinVar contains an entry for this variant (Variation ID: 1449518). Invitae Evidence Modeling of protein sequence and biophysical properties (such as structural, functional, and spatial information, amino acid conservation, physicochemical variation, residue mobility, and thermodynamic stability) indicates that this missense variant is not expected to disrupt NSD1 protein function with a negative predictive value of 80%. In summary, the available evidence is currently insufficient to determine the role of this variant in disease. Therefore, it has been classified as a Variant of Uncertain Significance.

Fulgent Genetics
Classification: Uncertain significance for Sotos syndrome. Last evaluated: 2024-04-15. Review status: criteria provided, single submitter. Criteria: ACMG Guidelines, 2015. Collection method: clinical testing. Allele origin: germline.

GeneDx
Classification: Uncertain significance. Last evaluated: 2024-04-12. Review status: criteria provided, single submitter. Criteria: GeneDx Variant Classification Process June 2021. Collection method: clinical testing. Allele origin: germline. Affected: yes.
Comment: Not observed at significant frequency in large population cohorts (gnomAD); In silico analysis indicates that this missense variant does not alter protein structure/function; Has not been previously published as pathogenic or benign to our knowledge